The following is an entry in ClinVar:

ClinVar aggregate classification (germline): Uncertain significance (1 of 4 stars; one submission).

Submission:

Labcorp Genetics (formerly Invitae), Labcorp
Classification: Uncertain significance. Last evaluated: 2024-03-30. Review status: criteria provided, single submitter. Criteria: Invitae Variant Classification Sherloc (09022015). Collection method: clinical testing. Allele origin: germline.
Comment: This sequence change replaces tyrosine, which is neutral and polar, with cysteine, which is neutral and slightly polar, at codon 292 of the RP1 protein (p.Tyr292Cys). This variant is not present in population databases (gnomAD no frequency). This variant has not been reported in the literature in individuals affected with RP1-related conditions. Algorithms developed to predict the effect of missense changes on protein structure and function output the following: SIFT: "Not Available"; PolyPhen-2: "Benign"; Align-GVGD: "Not Available". The cysteine amino acid residue is found in multiple mammalian species, which suggests that this missense change does not adversely affect protein function. In summary, the available evidence is currently insufficient to determine the role of this variant in disease. Therefore, it has been classified as a Variant of Uncertain Significance.

NM_006269.2(RP1):c.875A>G (p.Tyr292Cys)

Gene: RP1 (RP1 axonemal microtubule associated; plus strand). Cytogenetic location: 8q12.1.
Variant type: single nucleotide variant.
Coding change: c.875A>G on transcript NM_006269.2 (MANE Select); coding-DNA position 875, A replaced by G.
Protein change: p.Tyr292Cys; replaces tyrosine 292 with cysteine.
Molecular consequence: missense variant. On other transcripts: intron variant (1).
Genome position (GRCh38, 1-based): chr8:54,624,757, A>G. VCF-style: chr8-54624757-A-G. GRCh37 (hg19) VCF-style: chr8-55537317-A-G.
Other names: c.787+2469A>G (NM_001375654.1); short protein forms Y292C.
Identifiers: ClinVar variation 3632340 (VCV003632340.2).